The following is an entry in ClinVar:

NM_001371279.1(REEP1):c.793A>G (p.Arg265Gly)

Gene: REEP1 (receptor accessory protein 1; minus strand). Cytogenetic location: 2p11.2.
Variant type: single nucleotide variant.
Coding change: c.793A>G on transcript NM_001371279.1 (MANE Select); coding-DNA position 793, A replaced by G.
Protein change: p.Arg265Gly; replaces arginine 265 with glycine.
Molecular consequence: missense variant. On other transcripts: stop lost (3).
Genome position (GRCh38, 1-based): chr2:86,217,101, T>C on the plus strand (A>G on the coding strand, the complement: REEP1 is on the minus strand). VCF-style: chr2-86217101-T-C. GRCh37 (hg19) VCF-style: chr2-86444224-T-C.
Other names: *175W; *202W; *209W; c.626A>G, p.Ter209Trp (NM_001164730.2); c.524A>G, p.Ter175Trp (NM_001164731.2); c.370A>G, p.Arg124Gly (NM_001164732.2); c.427A>G, p.Arg143Gly (NM_001371280.1); c.605A>G, p.Ter202Trp (NM_022912.3); short protein forms R124G, R143G, R265G.
Identifiers: ClinVar variation 242633 (VCV000242633.8), dbSNP rs587781248, ClinGen allele CA048346.

ClinVar aggregate classification (germline): Conflicting classifications of pathogenicity. Review status: criteria provided, conflicting classifications (1 of 4 stars). 6 submissions from 6 submitters: Likely pathogenic (1); Uncertain significance (1). 4 of the submissions do not count toward it. Last evaluated 2026-09-08.

Conditions:
REEP1-related disorder. Also called: REEP1-related condition.
Charcot-Marie-Tooth disease. Also called: Charcot-Marie-Tooth Hereditary Neuropathy; Charcot-Marie-Tooth Neuropathy. Identifiers: Orphanet 166, MedGen C0007959, MONDO:0015626.
Hereditary spastic paraplegia 31. Also called: SPASTIC PARAPLEGIA 31, AUTOSOMAL DOMINANT. Identifiers: Orphanet 101011, MedGen C1853247, MONDO:0012453, OMIM 610250.
Spasticity. Identifiers: MedGen C0026838, HP:0001257.

Submissions (6):

GeneDx
Classification: Likely pathogenic. Last evaluated: 2026-09-08. Review status: criteria provided, single submitter. Criteria: GeneDx Variant Classification Process June 2021. Collection method: clinical testing. Allele origin: germline.
Comment: Published functional studies suggest perinuclear aggregation of REEP1 in cells expressing the extended protein variant p.(*202Wext*54) (PMID: 29124833); Stop codon loss and change to a tryptophan codon, leading to protein extension and the addition of 54 amino acid(s) at the C-terminus; Not observed at significant frequency in large population cohorts (gnomAD); This variant is associated with the following publications: (PMID: 29124833, 25025039)

Institute for Clinical Genetics, University Hospital TU Dresden, University Hospital TU Dresden
Classification: Uncertain significance. Last evaluated: 2022-04-22. Review status: criteria provided, single submitter. Criteria: ACMG Guidelines, 2015. Collection method: clinical testing. Allele origin: germline.
Comment: PM2_SUP

PreventionGenetics, part of Exact Sciences
Classification: Uncertain significance for REEP1-related condition. Last evaluated: 2024-07-31. Review status: no assertion criteria provided. Collection method: clinical testing. Allele origin: germline. Not counted in ClinVar's aggregate classification.
Comment: The REEP1 c.605A>G variant is predicted to result in extension of the open reading frame (p.*202Trpext*54). This variant was reported in an individual with autosomal dominant Charcot-Marie-Tooth disease, type 2. Functional studies indicate the resulting C-terminal protein extension results in self-aggregation (Bock et al. 2017. PubMed ID: 29124833). This variant has not been reported in a large population database , indicating this variant is rare. While we suspect this variant could be pathogenic, at this we interpret its clinical significance as uncertain due to the absence of conclusive functional and genetic evidence.

Dept. of Medical Genetics, Telemark Hospital Trust, Telemark Hospital Trust
Classification: Uncertain significance for Spasticity. Last evaluated: 2018-06-17. Review status: no assertion criteria provided. Collection method: research. Allele origin: unknown. Affected: yes. Observed: 2 variant alleles. Not counted in ClinVar's aggregate classification.

Hehr Laboratory, Center for Human Genetics Regensburg
Classification: Pathogenic for Hereditary spastic paraplegia 31. Last evaluated: 2016-12-19. Review status: no assertion criteria provided. Collection method: clinical testing. Allele origin: unknown. Affected: yes. Not counted in ClinVar's aggregate classification.

Inherited Neuropathy Consortium
Classification: Uncertain significance for Charcot-Marie-Tooth disease. Review status: no assertion criteria provided. Collection method: literature only. Allele origin: germline. Affected: yes. Not counted in ClinVar's aggregate classification.

Literature cited by the submitters: PubMed 25025039 (cited by Inherited Neuropathy Consortium).